The following is an entry in ClinVar:

NM_000718.4(CACNA1B):c.4106+6T>G

Gene: CACNA1B (calcium voltage-gated channel subunit alpha1 B; plus strand). Cytogenetic location: 9q34.3.
Variant type: single nucleotide variant.
Coding change: c.4106+6T>G on transcript NM_000718.4 (MANE Select); 6 bases into the intron after coding-DNA position 4106, T replaced by G.
Molecular consequence: intron variant.
Genome position (GRCh38, 1-based): chr9:138,057,875, T>G. VCF-style: chr9-138057875-T-G. GRCh37 (hg19) VCF-style: chr9-140952327-T-G.
Other names: c.4106+6T>G (NM_001243812.2).
Identifiers: ClinVar variation 2119468 (VCV002119468.4), dbSNP rs1959571075, ClinGen allele CA2580081036.

ClinVar aggregate classification (germline): Uncertain significance (1 of 4 stars; one submission).

Submission:

Labcorp Genetics (formerly Invitae), Labcorp
Classification: Uncertain significance. Last evaluated: 2022-03-29. Review status: criteria provided, single submitter. Criteria: Invitae Variant Classification Sherloc (09022015). Collection method: clinical testing. Allele origin: germline.
Comment: This variant has not been reported in the literature in individuals affected with CACNA1B-related conditions. In summary, the available evidence is currently insufficient to determine the role of this variant in disease. Therefore, it has been classified as a Variant of Uncertain Significance. Variants that disrupt the consensus splice site are a relatively common cause of aberrant splicing (PMID: 17576681, 9536098). Algorithms developed to predict the effect of sequence changes on RNA splicing suggest that this variant is not likely to affect RNA splicing. This variant is not present in population databases (gnomAD no frequency). This sequence change falls in intron 27 of the CACNA1B gene. It does not directly change the encoded amino acid sequence of the CACNA1B protein. It affects a nucleotide within the consensus splice site.

Literature cited by the submitters: PubMed 17576681; PubMed 9536098.